The following is an entry in ClinVar:

ClinVar aggregate classification (germline): Likely benign. Review status: criteria provided, multiple submitters, no conflicts (2 of 4 stars). 2 submissions from 2 submitters: Likely benign (2). Last evaluated 2024-02-22.

Conditions:
Glycogen storage disease IXd (GSD9D). Also called: Muscle Phosphorylase Kinase Deficiency; GSD IXd. Identifiers: Orphanet 715, MedGen C1845151, MONDO:0010362, OMIM 300559.

Allele frequency attached by ClinVar (database versions not stated): TOPMed below 0.00001; gnomAD exomes 0.00001 and 0.00004; gnomAD 0.00002.
gnomAD v4.1: 12 of 1,205,175 alleles (0.001%); highest among the groups gnomAD compares: East Asian, 0.027%; no homozygotes.

Submissions (2):

Labcorp Genetics (formerly Invitae), Labcorp
Classification: Likely benign for Glycogen storage disease IXd. Last evaluated: 2024-02-22. Review status: criteria provided, single submitter. Criteria: Invitae Variant Classification Sherloc (09022015). Collection method: clinical testing. Allele origin: germline.

GeneDx
Classification: Likely benign. Last evaluated: 2016-05-11. Review status: criteria provided, single submitter. Criteria: GeneDx Variant Classification (06012015). Collection method: clinical testing. Allele origin: germline. Affected: yes.
Comment: This variant is considered likely benign or benign based on one or more of the following criteria: it is a conservative change, it occurs at a poorly conserved position in the protein, it is predicted to be benign by multiple in silico algorithms, and/or has population frequency not consistent with disease.

NM_002637.4(PHKA1):c.1383C>T (p.Tyr461=)

Gene: PHKA1 (phosphorylase kinase regulatory subunit alpha 1; minus strand). Cytogenetic location: Xq13.1.
Variant type: single nucleotide variant.
Coding change: c.1383C>T on transcript NM_002637.4 (MANE Select); coding-DNA position 1383, C replaced by T.
Protein change: p.Tyr461=; no amino-acid change (tyrosine 461 retained).
Molecular consequence: synonymous variant.
Genome position (GRCh38, 1-based): chrX:72,644,438, G>A on the plus strand (C>T on the coding strand, the complement: PHKA1 is on the minus strand). VCF-style: chrX-72644438-G-A. GRCh37 (hg19) VCF-style: chrX-71864288-G-A.
Other names: c.1383C>T, p.Tyr461= (NM_001122670.2, NM_001172436.2).
Identifiers: ClinVar variation 385718 (VCV000385718.4), dbSNP rs1057522310, ClinGen allele CA16608583.